The following is an entry in ClinVar:

ClinVar aggregate classification (germline): Uncertain significance (1 of 4 stars; one submission).

gnomAD v4.1: 38 of 1,608,284 alleles (0.0024%); highest among the groups gnomAD compares: South Asian, 0.023%; 1 homozygote.

Submission:

Labcorp Genetics (formerly Invitae), Labcorp
Classification: Uncertain significance. Last evaluated: 2025-07-03. Review status: criteria provided, single submitter. Criteria: Invitae Variant Classification Sherloc (09022015). Collection method: clinical testing. Allele origin: germline.
Comment: This sequence change replaces alanine, which is neutral and non-polar, with threonine, which is neutral and polar, at codon 110 of the AQP1 protein (p.Ala110Thr). This variant is present in population databases (rs778827593, gnomAD 0.03%). This variant has not been reported in the literature in individuals affected with AQP1-related conditions. Invitae Evidence Modeling of protein sequence and biophysical properties (such as structural, functional, and spatial information, amino acid conservation, physicochemical variation, residue mobility, and thermodynamic stability) indicates that this missense variant is not expected to disrupt AQP1 protein function with a negative predictive value of 80%. In summary, the available evidence is currently insufficient to determine the role of this variant in disease. Therefore, it has been classified as a Variant of Uncertain Significance.

NM_198098.4(AQP1):c.328G>A (p.Ala110Thr)

Gene: AQP1 (aquaporin 1 (Colton blood group); plus strand). Cytogenetic location: 7p14.3.
Variant type: single nucleotide variant.
Coding change: c.328G>A on transcript NM_198098.4 (MANE Select); coding-DNA position 328, G replaced by A.
Protein change: p.Ala110Thr; replaces alanine 110 with threonine.
Molecular consequence: missense variant.
Genome position (GRCh38, 1-based): chr7:30,912,237, G>A. VCF-style: chr7-30912237-G-A. GRCh37 (hg19) VCF-style: chr7-30951852-G-A.
Other names: c.328G>A, p.Ala110Thr (NM_001329872.2); short protein forms A110T.
Identifiers: ClinVar variation 4752688 (VCV004752688.1).